The following is an entry in ClinVar:

NM_001754.5(RUNX1):c.-1G>A

Gene: RUNX1 (RUNX family transcription factor 1; minus strand). Cytogenetic location: 21q22.12.
Variant type: single nucleotide variant.
Coding change: c.-1G>A on transcript NM_001754.5 (MANE Select); 1 bases upstream of the start codon, G replaced by A.
Molecular consequence: 5 prime UTR variant.
Genome position (GRCh38, 1-based): chr21:35,048,900, C>T on the plus strand (G>A on the coding strand, the complement: RUNX1 is on the minus strand). VCF-style: chr21-35048900-C-T. GRCh37 (hg19) VCF-style: chr21-36421197-C-T.
Identifiers: ClinVar variation 3948826 (VCV003948826.1).

ClinVar aggregate classification (germline): Uncertain significance (1 of 4 stars; one submission).

Conditions:
Inborn genetic diseases. Identifiers: MedGen C0950123, MeSH D030342.

gnomAD v4.1: 16 of 1,613,776 alleles (0.00099%); highest among the groups gnomAD compares: East Asian, 0.0022%; no homozygotes.

Submission:

Ambry Genetics
Classification: Uncertain significance for Inborn genetic diseases. Last evaluated: 2025-04-23. Review status: criteria provided, single submitter. Criteria: Ambry Variant Classification Scheme 2023. Collection method: clinical testing. Allele origin: germline.
Comment: The c.-1G>A variant is located in the 5' untranslated region (5&rsquo; UTR) of the RUNX1 gene. This variant results from a G to A substitution 1 bases upstream from the first translated codon. This nucleotide position is not well conserved in available vertebrate species. Based on the available evidence, the clinical significance of this variant remains unclear.